The following is an entry in ClinVar:

NM_001044385.3(TMEM237):c.301A>G (p.Lys101Glu)

Gene: TMEM237 (transmembrane protein 237; minus strand). Cytogenetic location: 2q33.1.
Variant type: single nucleotide variant.
Coding change: c.301A>G on transcript NM_001044385.3 (MANE Select); coding-DNA position 301, A replaced by G.
Protein change: p.Lys101Glu; replaces lysine 101 with glutamic acid.
Molecular consequence: missense variant.
Genome position (GRCh38, 1-based): chr2:201,633,405, T>C on the plus strand (A>G on the coding strand, the complement: TMEM237 is on the minus strand). VCF-style: chr2-201633405-T-C. GRCh37 (hg19) VCF-style: chr2-202498128-T-C.
Other names: c.277A>G, p.Lys93Glu (NM_152388.4); c.301A>G (NM_001044385.1); short protein forms K101E, K93E.
Identifiers: ClinVar variation 2155482 (VCV002155482.6), dbSNP rs1430527300, ClinGen allele CA350314257.

ClinVar aggregate classification (germline): Uncertain significance. Review status: criteria provided, multiple submitters, no conflicts (2 of 4 stars). 2 submissions from 2 submitters: Uncertain significance (2). Last evaluated 2025-10-06.

Conditions:
Inborn genetic diseases. Identifiers: MedGen C0950123, MeSH D030342.
Joubert syndrome 14 (JBTS14). Identifiers: MedGen C3280766, MONDO:0013745, OMIM 614424.

Allele frequency attached by ClinVar (database versions not stated): gnomAD exomes below 0.00001.
gnomAD v4.1: 2 of 1,569,962 alleles (0.00013%); highest among the groups gnomAD compares: Non-Finnish European, 0.00017%; no homozygotes.

Submissions (2):

Ambry Genetics
Classification: Uncertain significance for Inborn genetic diseases. Last evaluated: 2025-10-06. Review status: criteria provided, single submitter. Criteria: Ambry Variant Classification Scheme 2023. Collection method: clinical testing. Allele origin: germline.

Labcorp Genetics (formerly Invitae), Labcorp
Classification: Uncertain significance for Joubert syndrome 14. Last evaluated: 2022-08-19. Review status: criteria provided, single submitter. Criteria: Invitae Variant Classification Sherloc (09022015). Collection method: clinical testing. Allele origin: germline.
Comment: In summary, the available evidence is currently insufficient to determine the role of this variant in disease. Therefore, it has been classified as a Variant of Uncertain Significance. Algorithms developed to predict the effect of missense changes on protein structure and function output the following: SIFT: "Tolerated"; PolyPhen-2: "Benign"; Align-GVGD: "Class C0". The glutamic acid amino acid residue is found in multiple mammalian species, which suggests that this missense change does not adversely affect protein function. This variant has not been reported in the literature in individuals affected with TMEM237-related conditions. The frequency data for this variant in the population databases is considered unreliable, as metrics indicate poor data quality at this position in the gnomAD database. This sequence change replaces lysine, which is basic and polar, with glutamic acid, which is acidic and polar, at codon 101 of the TMEM237 protein (p.Lys101Glu).